The following is an entry in ClinVar:

ClinVar aggregate classification (germline): Uncertain significance (1 of 4 stars; one submission).

Conditions:
Nance-Horan syndrome (NHS). Identifiers: Orphanet 627, MedGen C0796085, MONDO:0010545, OMIM 302350.

Submission:

Labcorp Genetics (formerly Invitae), Labcorp
Classification: Uncertain significance for Nance-Horan syndrome. Last evaluated: 2022-06-28. Review status: criteria provided, single submitter. Criteria: Invitae Variant Classification Sherloc (09022015). Collection method: clinical testing. Allele origin: germline.
Comment: In summary, the available evidence is currently insufficient to determine the role of this variant in disease. Therefore, it has been classified as a Variant of Uncertain Significance. Algorithms developed to predict the effect of missense changes on protein structure and function (SIFT, PolyPhen-2, Align-GVGD) all suggest that this variant is likely to be disruptive. This variant has not been reported in the literature in individuals affected with NHS-related conditions. This variant is not present in population databases (gnomAD no frequency). This sequence change replaces valine, which is neutral and non-polar, with isoleucine, which is neutral and non-polar, at codon 363 of the NHS protein (p.Val363Ile).

NM_001291867.2(NHS):c.1150G>A (p.Val384Ile)

Gene: NHS (NHS actin remodeling regulator; plus strand). Cytogenetic location: Xp22.13.
Variant type: single nucleotide variant.
Coding change: c.1150G>A on transcript NM_001291867.2 (MANE Select); coding-DNA position 1150, G replaced by A.
Protein change: p.Val384Ile; replaces valine 384 with isoleucine.
Molecular consequence: missense variant.
Genome position (GRCh38, 1-based): chrX:17,724,340, G>A. VCF-style: chrX-17724340-G-A. GRCh37 (hg19) VCF-style: chrX-17742460-G-A.
Other names: c.619G>A, p.Val207Ile (NM_001136024.4); c.556G>A, p.Val186Ile (NM_001291868.2); c.1087G>A, p.Val363Ile (NM_198270.4); short protein forms V363I, V186I, V207I, V384I.
Identifiers: ClinVar variation 2011890 (VCV002011890.4), dbSNP rs2519931823, ClinGen allele CA412349813.